The following is an entry in ClinVar:

ClinVar aggregate classification (germline): Conflicting classifications of pathogenicity. Review status: criteria provided, conflicting classifications (1 of 4 stars). 3 submissions from 3 submitters: Likely pathogenic (2); Uncertain significance (1). Last evaluated 2024-12-30.

Conditions:
Thrombophilia due to protein C deficiency, autosomal dominant. Also called: PROC DEFICIENCY, AUTOSOMAL DOMINANT; PROTEIN C DEFICIENCY, AUTOSOMAL DOMINANT. Identifiers: Orphanet 745, MedGen C2674321, MONDO:0008316, OMIM 176860. Disease mechanism: loss of function.

Allele frequency attached by ClinVar (database versions not stated): gnomAD exomes below 0.00001; TOPMed below 0.00001.

Submissions (3):

Labcorp Genetics (formerly Invitae), Labcorp
Classification: Likely pathogenic for Thrombophilia due to protein C deficiency, autosomal dominant. Last evaluated: 2024-12-30. Review status: criteria provided, single submitter. Criteria: Invitae Variant Classification Sherloc (09022015). Collection method: clinical testing. Allele origin: germline.
Comment: This sequence change replaces cysteine, which is neutral and slightly polar, with phenylalanine, which is neutral and non-polar, at codon 183 of the PROC protein (p.Cys183Phe). This variant is present in population databases (no rsID available, gnomAD 0.0009%). This missense change has been observed in individuals with protein C deficiency (PMID: 22627591; internal data). This variant is also known as Cys141Phe. ClinVar contains an entry for this variant (Variation ID: 536969). Invitae Evidence Modeling of protein sequence and biophysical properties (such as structural, functional, and spatial information, amino acid conservation, physicochemical variation, residue mobility, and thermodynamic stability) indicates that this missense variant is expected to disrupt PROC protein function with a positive predictive value of 80%. Experimental studies have shown that this missense change affects PROC function (PMID: 22627591). In summary, the currently available evidence indicates that the variant is pathogenic, but additional data are needed to prove that conclusively. Therefore, this variant has been classified as Likely Pathogenic.

Mayo Clinic Laboratories, Mayo Clinic
Classification: Likely pathogenic. Last evaluated: 2024-10-10. Review status: criteria provided, single submitter. Criteria: ACMG Guidelines, 2015. Collection method: clinical testing. Allele origin: germline. Observed: 2 variant alleles.
Comment: PP3, PM1, PM2_moderate, PS4_moderate

Illumina Laboratory Services, Illumina
Classification: Uncertain significance for Thrombophilia due to protein C deficiency, autosomal dominant. Last evaluated: 2022-02-01. Review status: criteria provided, single submitter. Criteria: ICSLVariantClassificationCriteria RUGD 01 April 2020. Collection method: clinical testing. Allele origin: unknown.
Comment: The PROC c.548G>T (p.Cys183Phe) missense variant results in the substitution of cysteine at amino acid position 183 with phenylalanine. This variant has been reported in a heterozygous state in one individual with protein C deficiency with a measured protein C activity of 51% of normal (Caspers et al. 2012). The c.548G>T variant is reported in the Genome Aggregation Database in one allele at a frequency of 0.000009 in the European (non-Finnish) population (version 2.1.1). Based on the available evidence, the c.548G>T (p.Cys183Phe) variant is classified as a variant of uncertain significance for protein C deficiency.

Literature cited by the submitters: PubMed 22627591 (cited by 3 submitters).

NM_000312.4(PROC):c.548G>T (p.Cys183Phe)

Gene: PROC (protein C, inactivator of coagulation factors Va and VIIIa; plus strand). Cytogenetic location: 2q14.3.
Variant type: single nucleotide variant.
Coding change: c.548G>T on transcript NM_000312.4 (MANE Select); coding-DNA position 548, G replaced by T.
Protein change: p.Cys183Phe; replaces cysteine 183 with phenylalanine.
Molecular consequence: missense variant.
Genome position (GRCh38, 1-based): chr2:127,426,097, G>T. VCF-style: chr2-127426097-G-T. GRCh37 (hg19) VCF-style: chr2-128183673-G-T.
Other names: p.Cys183Phe; c.731G>T, p.Cys244Phe (NM_001375602.1); c.713G>T, p.Cys238Phe (NM_001375603.1); c.611G>T, p.Cys204Phe (NM_001375604.1); c.650G>T, p.Cys217Phe (NM_001375605.1); c.716G>T, p.Cys239Phe (NM_001375606.1); c.734G>T, p.Cys245Phe (NM_001375607.1); c.491G>T, p.Cys164Phe (NM_001375608.1); and 3 more; short protein forms C183F, C164F, C175F, C181F, C204F, C217F, C238F, C239F.
Identifiers: ClinVar variation 536969 (VCV000536969.12), dbSNP rs1284942525, ClinGen allele CA348400999.
Genomic context (GRCh38, chr2:127,426,097, plus strand): 5'-CTCGGGAGGAGTGCCTGGCAGGCCCCTCACCACCTCTGCCTACCTCAGTGAAGTTCCCTT[G>T]TGGGAGGCCCTGGAAGCGGATGGAGAAGAAGCGCAGTCACCTGAAACGAGACACAGAAGA-3'
Protein context (NP_000303.1, residues 173-193): LQCHPAVKFP[Cys183Phe]GRPWKRMEKK